The following is an entry in ClinVar:

NM_001358530.2(MOCS1):c.583+3G>A

Gene: MOCS1 (molybdenum cofactor synthesis 1; minus strand). Cytogenetic location: 6p21.2.
Variant type: single nucleotide variant.
Coding change: c.583+3G>A on transcript NM_001358530.2 (MANE Select); 3 bases into the intron after coding-DNA position 583, G replaced by A.
Molecular consequence: intron variant.
Genome position (GRCh38, 1-based): chr6:39,916,065, C>T on the plus strand (G>A on the coding strand, the complement: MOCS1 is on the minus strand). VCF-style: chr6-39916065-C-T. GRCh37 (hg19) VCF-style: chr6-39883809-C-T.
Other names: c.322+3G>A (NM_001358531.2, NM_001358533.2, NM_001358534.2); c.583+3G>A (NM_001358529.2, NM_001075098.4, NM_005943.6).
Identifiers: ClinVar variation 1408347 (VCV001408347.4), dbSNP rs775383707, ClinGen allele CA3796248.
Genomic context (GRCh38, chr6:39,916,065, plus strand): 5'-CATGCCCTCCCCAGCTATGTGCAGGCCCTGGGAGGGACACCCACCCCATCCACATCCGCT[C>T]ACCTTTCCTGCGGACAATGAACTCAAACTTGGCAGGCACCAGGGTGTCCAGGCTGATGTT-3'

ClinVar aggregate classification (germline): Uncertain significance (1 of 4 stars; one submission).

Conditions:
Sulfite oxidase deficiency due to molybdenum cofactor deficiency type A. Also called: Molybdenum cofactor deficiency, complementation group A; Molybdenum Cofactor Deficiency A. Identifiers: Orphanet 308386, Orphanet 833, MedGen C1854988, MONDO:0009643, OMIM 252150.

Allele frequency attached by ClinVar (database versions not stated): gnomAD 0.00001; gnomAD exomes 0.00001; TOPMed 0.00001; ExAC 0.00003.
gnomAD v4.1: 5 of 1,604,398 alleles (0.00031%); highest among the groups gnomAD compares: African/African-American, 0.004%; no homozygotes.

Submission:

Labcorp Genetics (formerly Invitae), Labcorp
Classification: Uncertain significance for Sulfite oxidase deficiency due to molybdenum cofactor deficiency type A. Last evaluated: 2021-06-02. Review status: criteria provided, single submitter. Criteria: Invitae Variant Classification Sherloc (09022015). Collection method: clinical testing. Allele origin: germline.
Comment: This variant is present in population databases (rs775383707, ExAC 0.03%). This sequence change falls in intron 4 of the MOCS1 gene. It does not directly change the encoded amino acid sequence of the MOCS1 protein. It affects a nucleotide within the consensus splice site of the intron. This variant has not been reported in the literature in individuals with MOCS1-related conditions. In summary, the available evidence is currently insufficient to determine the role of this variant in disease. Therefore, it has been classified as a Variant of Uncertain Significance. Nucleotide substitutions within the consensus splice site are a relatively common cause of aberrant splicing (PMID: 17576681, 9536098). Algorithms developed to predict the effect of sequence changes on RNA splicing suggest that this variant is not likely to affect RNA splicing, but this prediction has not been confirmed by published transcriptional studies.

Literature cited by the submitters: PubMed 17576681; PubMed 9536098.